The following is an entry in ClinVar:

ClinVar aggregate classification (germline): Uncertain significance (1 of 4 stars; one submission).

Submission:

Labcorp Genetics (formerly Invitae), Labcorp
Classification: Uncertain significance. Last evaluated: 2023-12-22. Review status: criteria provided, single submitter. Criteria: Invitae Variant Classification Sherloc (09022015). Collection method: clinical testing. Allele origin: unknown.
Comment: This variant results in a copy number gain of the genomic region encompassing exon(s) 6-18 of the PAK3 gene. This region includes the termination codon of the gene. This copy number gain extends beyond the assayed region for this gene and therefore may encompass additional genes. As the precise location of this event is unknown, it may be in tandem or it may be located elsewhere in the genome. This variant has not been reported in the literature in individuals affected with PAK3-related conditions. In summary, the available evidence is currently insufficient to determine the role of this variant in disease. Therefore, it has been classified as a Variant of Uncertain Significance.

NC_000023.10:g.(?_110385304)_(110463675_?)dup

Gene: PAK3 (p21 (RAC1) activated kinase 3; plus strand). Cytogenetic location: Xq23.
Variant type: Duplication.
Identifiers: ClinVar variation 3246551 (VCV003246551.1).